The following is an entry in ClinVar:

NM_001346249.2(RALGAPA1):c.1247G>A (p.Arg416His)

Gene: RALGAPA1 (Ral GTPase activating protein catalytic subunit alpha 1; minus strand). Cytogenetic location: 14q13.2.
Variant type: single nucleotide variant.
Coding change: c.1247G>A on transcript NM_001346249.2 (MANE Select); coding-DNA position 1247, G replaced by A.
Protein change: p.Arg416His; replaces arginine 416 with histidine.
Molecular consequence: missense variant.
Genome position (GRCh38, 1-based): chr14:35,748,589, C>T on the plus strand (G>A on the coding strand, the complement: RALGAPA1 is on the minus strand). VCF-style: chr14-35748589-C-T. GRCh37 (hg19) VCF-style: chr14-36217795-C-T.
Other names: c.1247G>A, p.Arg416His (NM_001283043.3, NM_001283044.3, NM_001330075.3 and 7 more transcripts); c.1247G>A (NM_194301.2); short protein forms R416H.
Identifiers: ClinVar variation 2505267 (VCV002505267.3), dbSNP rs372742287, ClinGen allele CA7157124.

ClinVar aggregate classification (germline): Uncertain significance. Review status: criteria provided, multiple submitters, no conflicts (2 of 4 stars). 2 submissions from 2 submitters: Uncertain significance (2). Last evaluated 2023-08-15.

Conditions:
Inborn genetic diseases. Identifiers: MedGen C0950123, MeSH D030342.

Allele frequency attached by ClinVar (database versions not stated): gnomAD 0.00005; ExAC 0.00006; TOPMed 0.00006; ESP Exome Variant Server 0.00008; gnomAD exomes 0.00015.
gnomAD v4.1: 225 of 1,606,292 alleles (0.014%); highest among the groups gnomAD compares: Middle Eastern, 0.033%; 1 homozygote.

Submissions (2):

Ambry Genetics
Classification: Uncertain significance for Inborn genetic diseases. Last evaluated: 2023-08-15. Review status: criteria provided, single submitter. Criteria: Ambry Variant Classification Scheme 2023. Collection method: clinical testing. Allele origin: germline.

Greenwood Genetic Center Diagnostic Laboratories, Greenwood Genetic Center
Classification: Uncertain significance. Last evaluated: 2023-02-06. Review status: criteria provided, single submitter. Criteria: ACMG Guidelines, 2015. Collection method: clinical testing. Allele origin: germline. Affected: yes.
Comment: PM2